The following is an entry in ClinVar:

ClinVar aggregate classification (germline): Pathogenic/Likely pathogenic. Review status: criteria provided, multiple submitters, no conflicts (2 of 4 stars). 2 submissions from 2 submitters: Pathogenic (1); Likely pathogenic (1). Last evaluated 2023-06-22.

Conditions:
Sialidosis. Identifiers: Orphanet 309294, MedGen C0268226, MONDO:0017734.

Allele frequency attached by ClinVar (database versions not stated): ExAC 0.00001; gnomAD 0.00001; TOPMed 0.00003; gnomAD exomes below 0.00001.
gnomAD v4.1: 3 of 1,613,918 alleles (0.00019%); highest among the groups gnomAD compares: African/African-American, 0.004%; no homozygotes.

Submissions (2):

Women's Health and Genetics/Laboratory Corporation of America, LabCorp
Classification: Likely pathogenic for Sialidosis. Last evaluated: 2023-06-22. Review status: criteria provided, single submitter. Criteria: LabCorp Variant Classification Summary - May 2015. Collection method: clinical testing. Allele origin: germline.
Comment: Variant summary: NEU1 c.692T>A (p.Leu231His) results in a non-conservative amino acid change located in the Sialidase domain (IPR011040) of the encoded protein sequence. Five of five in-silico tools predict a damaging effect of the variant on protein function. The variant allele was found at a frequency of 4e-06 in 251354 control chromosomes (gnomAD). c.692T>A has been reported in the literature in at least one individual affected with Sialidosis (example: Bonten_2000). At least one publication reports experimental evidence evaluating an impact on protein function. The most pronounced variant effect results in <10% of normal neuraminidase enzyme activity (example: Bonten_2000). The following publication has been ascertained in the context of this evaluation (PMID: 11063730). One submitter has cited clinical-significance assessments for this variant to ClinVar after 2014 and has classified the variant as pathogenic. Based on the evidence outlined above, the variant was classified as likely pathogenic.

Labcorp Genetics (formerly Invitae), Labcorp
Classification: Pathogenic. Last evaluated: 2019-10-16. Review status: criteria provided, single submitter. Criteria: Invitae Variant Classification Sherloc (09022015). Collection method: clinical testing. Allele origin: germline.
Comment: This sequence change replaces leucine with histidine at codon 231 of the NEU1 protein (p.Leu231His). The leucine residue is highly conserved and there is a moderate physicochemical difference between leucine and histidine. This variant is present in population databases (rs762400331, ExAC 0.01%). This variant has been observed in individual(s) with sialidosis (PMID: 11063730, Invitae). In at least one individual the data is consistent with the variant being in trans (on the opposite chromosome) from a pathogenic variant. This variant has been reported to affect NEU1 protein function (PMID: 11063730). For these reasons, this variant has been classified as Pathogenic.

Literature cited by the submitters: PubMed 11063730 (cited by Women's Health and Genetics/Laboratory Corporation of America, LabCorp and Labcorp Genetics (formerly Invitae), Labcorp).

NM_000434.4(NEU1):c.692T>A (p.Leu231His)

Gene: NEU1 (neuraminidase 1; minus strand). Cytogenetic location: 6p21.33.
Variant type: single nucleotide variant.
Coding change: c.692T>A on transcript NM_000434.4 (MANE Select); coding-DNA position 692, T replaced by A.
Protein change: p.Leu231His; replaces leucine 231 with histidine.
Molecular consequence: missense variant.
Genome position (GRCh38, 1-based): chr6:31,860,545, A>T on the plus strand (T>A on the coding strand, the complement: NEU1 is on the minus strand). VCF-style: chr6-31860545-A-T. GRCh37 (hg19) VCF-style: chr6-31828322-A-T.
Other names: short protein forms L231H.
Identifiers: ClinVar variation 948536 (VCV000948536.10), dbSNP rs762400331, ClinGen allele CA3724981.